The following is an entry in ClinVar:

ClinVar aggregate classification (germline): Conflicting classifications of pathogenicity. Review status: criteria provided, conflicting classifications (1 of 4 stars). 2 submissions from 2 submitters: Uncertain significance (1); Likely benign (1). Last evaluated 2024-01-03.

Conditions:
Inborn genetic diseases. Identifiers: MedGen C0950123, MeSH D030342.

Allele frequency attached by ClinVar (database versions not stated): gnomAD exomes 0.00002; ExAC 0.00003; gnomAD 0.00005; TOPMed 0.00007; ESP Exome Variant Server 0.00008.
gnomAD v4.1: 33 of 1,367,380 alleles (0.0024%); highest among the groups gnomAD compares: African/African-American, 0.0089%; no homozygotes.

Submissions (2):

Ambry Genetics
Classification: Uncertain significance for Inborn genetic diseases. Last evaluated: 2024-01-03. Review status: criteria provided, single submitter. Criteria: Ambry Variant Classification Scheme 2023. Collection method: clinical testing. Allele origin: germline.

CeGaT Center for Human Genetics Tuebingen
Classification: Likely benign. Last evaluated: 2022-07-01. Review status: criteria provided, single submitter. Criteria: CeGaT Center For Human Genetics Tuebingen Variant Classification Criteria Version 2. Collection method: clinical testing. Allele origin: germline. Affected: yes. Observed: 1 variant allele.
Comment: ATP11A: BP4

NM_015205.3(ATP11A):c.*10-51G>A

Genes: ATP11A (ATPase phospholipid transporting 11A; plus strand), LOC128772390 (melanoma risk locus-associated MPRA allelic enhancer 13:113536132; plus strand). Cytogenetic location: 13q34.
Variant type: single nucleotide variant.
Coding change: c.*10-51G>A on transcript NM_015205.3 (MANE Select); 51 bases into the intron before 10 bases downstream of the stop codon, G replaced by A.
Molecular consequence: intron variant. On other transcripts: missense variant (2).
Genome position (GRCh38, 1-based): chr13:112,881,825, G>A. VCF-style: chr13-112881825-G-A. GRCh37 (hg19) VCF-style: chr13-113536139-G-A.
Other names: c.3340G>A, p.Ala1114Thr (NM_001405661.1); c.3337G>A, p.Ala1113Thr (NM_032189.4); c.*12-51G>A (NM_001405663.1); c.3328-51G>A (NM_001405662.1); c.3337G>A (NM_032189.3); short protein forms A1113T, A1114T.
Identifiers: ClinVar variation 2643969 (VCV002643969.25), dbSNP rs144619142, ClinGen allele CA7057630.